The following is an entry in ClinVar:

NM_000127.3(EXT1):c.481T>G (p.Leu161Val)

Gene: EXT1 (exostosin glycosyltransferase 1; minus strand). Cytogenetic location: 8q24.11.
Variant type: single nucleotide variant.
Coding change: c.481T>G on transcript NM_000127.3 (MANE Select); coding-DNA position 481, T replaced by G.
Protein change: p.Leu161Val; replaces leucine 161 with valine.
Molecular consequence: missense variant.
Genome position (GRCh38, 1-based): chr8:118,110,566, A>C on the plus strand (T>G on the coding strand, the complement: EXT1 is on the minus strand). VCF-style: chr8-118110566-A-C. GRCh37 (hg19) VCF-style: chr8-119122805-A-C.
Other names: short protein forms L161V.
Identifiers: ClinVar variation 2675156 (VCV002675156.4), dbSNP rs1817879402, ClinGen allele CA371915755.

ClinVar aggregate classification (germline): Uncertain significance. Review status: criteria provided, multiple submitters, no conflicts (2 of 4 stars). 3 submissions from 3 submitters: Uncertain significance (3). Last evaluated 2026-08-27.

Conditions:
Multiple congenital exostosis (EXT). Also called: Hereditary multiple exostoses; Hereditary multiple exostosis; Multiple osteochondromas; MULTIPLE CARTILAGINOUS EXOSTOSES; Hereditary multiple osteochondromas; Multiple exostoses. Identifiers: Orphanet 321, MedGen C0015306, MONDO:0005508, HP:0002762.
Chondrosarcoma. Also called: Chondrosarcoma, somatic. Identifiers: Orphanet 55880, MedGen C0008479, MONDO:0008977, OMIM 215300, HP:0006765.
Inborn genetic diseases. Identifiers: MedGen C0950123, MeSH D030342.

Allele frequency attached by ClinVar (database versions not stated): gnomAD exomes below 0.00001; TOPMed below 0.00001.
gnomAD v4.1: 2 of 1,614,160 alleles (0.00012%); highest among the groups gnomAD compares: Non-Finnish European, 0.000085%; no homozygotes.

Submissions (3):

Ambry Genetics
Classification: Uncertain significance for Inborn genetic diseases. Last evaluated: 2026-08-27. Review status: criteria provided, single submitter. Criteria: Ambry Variant Classification Scheme 2023. Collection method: clinical testing. Allele origin: germline.

Labcorp Genetics (formerly Invitae), Labcorp
Classification: Uncertain significance for Multiple congenital exostosis. Last evaluated: 2025-09-10. Review status: criteria provided, single submitter. Criteria: Invitae Variant Classification Sherloc (09022015). Collection method: clinical testing. Allele origin: germline.
Comment: This sequence change replaces leucine, which is neutral and non-polar, with valine, which is neutral and non-polar, at codon 161 of the EXT1 protein (p.Leu161Val). This variant is not present in population databases (gnomAD no frequency). This variant has not been reported in the literature in individuals affected with EXT1-related conditions. ClinVar contains an entry for this variant (Variation ID: 2675156). Invitae Evidence Modeling of protein sequence and biophysical properties (such as structural, functional, and spatial information, amino acid conservation, physicochemical variation, residue mobility, and thermodynamic stability) indicates that this missense variant is not expected to disrupt EXT1 protein function with a negative predictive value of 95%. In summary, the available evidence is currently insufficient to determine the role of this variant in disease. Therefore, it has been classified as a Variant of Uncertain Significance.

Baylor Genetics
Classification: Uncertain significance for Chondrosarcoma. Last evaluated: 2023-09-17. Review status: criteria provided, single submitter. Criteria: ACMG Guidelines, 2015. Collection method: clinical testing. Allele origin: unknown.